The following is an entry in ClinVar:

ClinVar aggregate classification (germline): Benign (0 of 4 stars; one submission).

Conditions:
SORT1-related disorder. Also called: SORT1-related condition.

Allele frequency attached by ClinVar (database versions not stated): ESP Exome Variant Server 0.70767; gnomAD 0.72596; gnomAD exomes 0.73153; TOPMed 0.73714; ExAC 0.75324; 1000 Genomes Project 0.77636; 1000 Genomes Project 30x 0.77701.
gnomAD v4.1: 1,179,375 of 1,612,478 alleles (73%); highest among the groups gnomAD compares: East Asian, 97%; 434,076 homozygotes.

Submission:

PreventionGenetics, part of Exact Sciences
Classification: Benign for SORT1-related condition. Last evaluated: 2019-10-17. Review status: no assertion criteria provided. Collection method: clinical testing. Allele origin: germline.
Comment: This variant is classified as benign based on ACMG/AMP sequence variant interpretation guidelines (Richards et al. 2015 PMID: 25741868, with internal and published modifications).

NM_002959.7(SORT1):c.594T>C (p.Phe198=)

Gene: SORT1 (sortilin 1; minus strand). Cytogenetic location: 1p13.3.
Variant type: single nucleotide variant.
Coding change: c.594T>C on transcript NM_002959.7 (MANE Select); coding-DNA position 594, T replaced by C.
Protein change: p.Phe198=; no amino-acid change (phenylalanine 198 retained).
Molecular consequence: synonymous variant.
Genome position (GRCh38, 1-based): chr1:109,354,481, A>G on the plus strand (T>C on the coding strand, the complement: SORT1 is on the minus strand). VCF-style: chr1-109354481-A-G. GRCh37 (hg19) VCF-style: chr1-109897103-A-G.
Other names: c.186T>C, p.Phe62= (NM_001205228.2).
Identifiers: ClinVar variation 3059274 (VCV003059274.2), dbSNP rs11142, ClinGen allele CA990098.